The following is an entry in ClinVar:

ClinVar aggregate classification (germline): Uncertain significance (1 of 4 stars; one submission).

Allele frequency attached by ClinVar (database versions not stated): gnomAD exomes below 0.00001.
gnomAD v4.1: 6 of 1,614,060 alleles (0.00037%); highest among the groups gnomAD compares: Non-Finnish European, 0.00051%; no homozygotes.

Submission:

Labcorp Genetics (formerly Invitae), Labcorp
Classification: Uncertain significance. Last evaluated: 2022-04-17. Review status: criteria provided, single submitter. Criteria: Invitae Variant Classification Sherloc (09022015). Collection method: clinical testing. Allele origin: germline.
Comment: This sequence change replaces leucine, which is neutral and non-polar, with phenylalanine, which is neutral and non-polar, at codon 248 of the COL7A1 protein (p.Leu248Phe). This variant is present in population databases (no rsID available, gnomAD 0.0009%). This variant has not been reported in the literature in individuals affected with COL7A1-related conditions. Algorithms developed to predict the effect of missense changes on protein structure and function are either unavailable or do not agree on the potential impact of this missense change (SIFT: "Deleterious"; PolyPhen-2: "Not Available"; Align-GVGD: "Class C0"). In summary, the available evidence is currently insufficient to determine the role of this variant in disease. Therefore, it has been classified as a Variant of Uncertain Significance.

NM_000094.4(COL7A1):c.744G>C (p.Leu248Phe)

Gene: COL7A1 (collagen type VII alpha 1 chain; minus strand). Cytogenetic location: 3p21.31.
Variant type: single nucleotide variant.
Coding change: c.744G>C on transcript NM_000094.4 (MANE Select); coding-DNA position 744, G replaced by C.
Protein change: p.Leu248Phe; replaces leucine 248 with phenylalanine.
Molecular consequence: missense variant.
Genome position (GRCh38, 1-based): chr3:48,592,877, C>G on the plus strand (G>C on the coding strand, the complement: COL7A1 is on the minus strand). VCF-style: chr3-48592877-C-G. GRCh37 (hg19) VCF-style: chr3-48630310-C-G.
Other names: short protein forms L248F.
Identifiers: ClinVar variation 1942817 (VCV001942817.2), dbSNP rs1268258941, ClinGen allele CA352742269.